The following is an entry in ClinVar:

ClinVar aggregate classification (germline): Uncertain significance. Review status: criteria provided, multiple submitters, no conflicts (2 of 4 stars). 2 submissions from 2 submitters: Uncertain significance (2). Last evaluated 2023-09-06.

Conditions:
Hereditary cancer-predisposing syndrome. Also called: Tumor predisposition; Hereditary Cancer Syndrome; Hereditary neoplastic syndrome; Neoplastic Syndromes, Hereditary. Identifiers: Orphanet 140162, MedGen C0027672, MeSH D009386, MONDO:0015356.
Oligodontia-cancer predisposition syndrome. Also called: TOOTH AGENESIS-COLORECTAL CANCER SYNDROME. Identifiers: Orphanet 300576, MedGen C1837750, MONDO:0012075, OMIM 608615. Disease mechanism: loss of function.

Submissions (2):

Labcorp Genetics (formerly Invitae), Labcorp
Classification: Uncertain significance for Oligodontia-cancer predisposition syndrome. Last evaluated: 2023-09-06. Review status: criteria provided, single submitter. Criteria: Invitae Variant Classification Sherloc (09022015). Collection method: clinical testing. Allele origin: germline.
Comment: In summary, the available evidence is currently insufficient to determine the role of this variant in disease. Therefore, it has been classified as a Variant of Uncertain Significance. An algorithm developed to predict the effect of missense changes on protein structure and function (PolyPhen-2) suggests that this variant is likely to be tolerated. This variant has not been reported in the literature in individuals affected with AXIN2-related conditions. This variant is not present in population databases (gnomAD no frequency). This sequence change replaces alanine, which is neutral and non-polar, with aspartic acid, which is acidic and polar, at codon 599 of the AXIN2 protein (p.Ala599Asp).

Ambry Genetics
Classification: Uncertain significance for Hereditary cancer-predisposing syndrome. Last evaluated: 2023-08-25. Review status: criteria provided, single submitter. Criteria: Ambry Variant Classification Scheme 2023. Collection method: clinical testing. Allele origin: germline.
Comment: The p.A599D variant (also known as c.1796C>A), located in coding exon 6 of the AXIN2 gene, results from a C to A substitution at nucleotide position 1796. The alanine at codon 599 is replaced by aspartic acid, an amino acid with dissimilar properties. This amino acid position is conserved. In addition, this alteration is predicted to be tolerated by in silico analysis. Since supporting evidence is limited at this time, the clinical significance of this alteration remains unclear.

NM_004655.4(AXIN2):c.1796C>A (p.Ala599Asp)

Gene: AXIN2 (axin 2; minus strand). Cytogenetic location: 17q24.1.
Variant type: single nucleotide variant.
Coding change: c.1796C>A on transcript NM_004655.4 (MANE Select); coding-DNA position 1796, C replaced by A.
Protein change: p.Ala599Asp; replaces alanine 599 with aspartic acid.
Molecular consequence: missense variant. On other transcripts: intron variant (1).
Genome position (GRCh38, 1-based): chr17:65,536,980, G>T on the plus strand (C>A on the coding strand, the complement: AXIN2 is on the minus strand). VCF-style: chr17-65536980-G-T. GRCh37 (hg19) VCF-style: chr17-63533098-G-T.
Other names: c.1712+344C>A (NM_001363813.1); short protein forms A599D.
Identifiers: ClinVar variation 2624757 (VCV002624757.5), dbSNP rs1478055553, ClinGen allele CA400676603.